The following is an entry in ClinVar:

NM_001367868.2(PLIN4):c.423C>T (p.Ser141=)

Gene: PLIN4 (perilipin 4; minus strand). Cytogenetic location: 19p13.3.
Variant type: single nucleotide variant.
Coding change: c.423C>T on transcript NM_001367868.2 (MANE Select); coding-DNA position 423, C replaced by T.
Protein change: p.Ser141=; no amino-acid change (serine 141 retained).
Molecular consequence: synonymous variant.
Genome position (GRCh38, 1-based): chr19:4,513,537, G>A on the plus strand (C>T on the coding strand, the complement: PLIN4 is on the minus strand). VCF-style: chr19-4513537-G-A. GRCh37 (hg19) VCF-style: chr19-4513549-G-A.
Other names: c.426C>T, p.Ser142= (NM_001393888.1, NM_001393889.1); c.423C>T, p.Ser141= (NM_001393890.1, NM_001393891.1).
Identifiers: ClinVar variation 5038510 (VCV005038510.1).

ClinVar aggregate classification (germline): Likely benign (1 of 4 stars; one submission).

Submission:

CeGaT Center for Human Genetics Tuebingen
Classification: Likely benign. Last evaluated: 2026-08-01. Review status: criteria provided, single submitter. Criteria: CeGaT Center For Human Genetics Tuebingen Variant Classification Criteria Version 2. Collection method: clinical testing. Allele origin: germline. Affected: yes. Observed: 1 variant allele.
Comment: PLIN4: BP4, BP7